The following is an entry in ClinVar:

ClinVar aggregate classification (germline): Uncertain significance. Review status: criteria provided, multiple submitters, no conflicts (2 of 4 stars). 2 submissions from 2 submitters: Uncertain significance (2). Last evaluated 2025-11-06.

Conditions:
Cardiovascular phenotype. Identifiers: MedGen CN230736.
Alstrom syndrome (ALMS). Identifiers: Orphanet 64, MedGen C0268425, MONDO:0008763, OMIM 203800.

Submissions (2):

Ambry Genetics
Classification: Uncertain significance for Cardiovascular phenotype. Last evaluated: 2025-11-06. Review status: criteria provided, single submitter. Criteria: Ambry Variant Classification Scheme 2023. Collection method: clinical testing. Allele origin: germline.
Comment: The p.S2476G variant (also known as c.7426A>G), located in coding exon 8 of the ALMS1 gene, results from an A to G substitution at nucleotide position 7426. The serine at codon 2476 is replaced by glycine, an amino acid with similar properties. This amino acid position is highly conserved in available vertebrate species. In addition, this alteration is predicted to be tolerated by in silico analysis. Based on the available evidence, the clinical significance of this variant remains unclear.

Labcorp Genetics (formerly Invitae), Labcorp
Classification: Uncertain significance for Alstrom syndrome. Last evaluated: 2022-12-02. Review status: criteria provided, single submitter. Criteria: Invitae Variant Classification Sherloc (09022015). Collection method: clinical testing. Allele origin: germline.
Comment: In summary, the available evidence is currently insufficient to determine the role of this variant in disease. Therefore, it has been classified as a Variant of Uncertain Significance. Experimental studies and prediction algorithms are not available or were not evaluated, and the functional significance of this variant is currently unknown. ClinVar contains an entry for this variant (Variation ID: 1350025). This variant has not been reported in the literature in individuals affected with ALMS1-related conditions. This variant is not present in population databases (gnomAD no frequency). This sequence change replaces serine, which is neutral and polar, with glycine, which is neutral and non-polar, at codon 2476 of the ALMS1 protein (p.Ser2476Gly).

NM_001378454.1(ALMS1):c.7423A>G (p.Ser2475Gly)

Gene: ALMS1 (ALMS1 centrosome and basal body associated protein; plus strand). Cytogenetic location: 2p13.1.
Variant type: single nucleotide variant.
Coding change: c.7423A>G on transcript NM_001378454.1 (MANE Select); coding-DNA position 7423, A replaced by G.
Protein change: p.Ser2475Gly; replaces serine 2475 with glycine.
Molecular consequence: missense variant.
Genome position (GRCh38, 1-based): chr2:73,453,950, A>G. VCF-style: chr2-73453950-A-G. GRCh37 (hg19) VCF-style: chr2-73681077-A-G.
Other names: c.7426A>G, p.Ser2476Gly (NM_015120.4); short protein forms S2476G, S2475G.
Identifiers: ClinVar variation 1350025 (VCV001350025.7), dbSNP rs2103793967, ClinGen allele CA347292438.